The following is an entry in ClinVar:

NM_003070.5(SMARCA2):c.3599A>C (p.Gln1200Pro)

Gene: SMARCA2 (SWI/SNF related BAF chromatin remodeling complex subunit ATPase 2; plus strand). Cytogenetic location: 9p24.3.
Variant type: single nucleotide variant.
Coding change: c.3599A>C on transcript NM_003070.5 (MANE Select); coding-DNA position 3599, A replaced by C.
Protein change: p.Gln1200Pro; replaces glutamine 1200 with proline.
Molecular consequence: missense variant.
Genome position (GRCh38, 1-based): chr9:2,115,964, A>C. VCF-style: chr9-2115964-A-C. GRCh37 (hg19) VCF-style: chr9-2115964-A-C.
Other names: c.3599A>C, p.Gln1200Pro (NM_001289396.2, NM_139045.4); c.3425A>C, p.Gln1142Pro (NM_001289397.2); short protein forms Q1142P, Q1200P.
Identifiers: ClinVar variation 976221 (VCV000976221.1), dbSNP rs1823198138, ClinGen allele CA372788943.

ClinVar aggregate classification (germline): Likely pathogenic (1 of 4 stars; one submission).

Conditions:
Nicolaides-Baraitser syndrome (NCBRS). Also called: Intellectual disability-sparse hair-brachydactyly syndrome; SMARCA2-Related Nicolaides-Baraitser Syndrome. Identifiers: Orphanet 3051, MedGen C1303073, MONDO:0011053, OMIM 601358.

Submission:

Institute of Human Genetics, University of Leipzig Medical Center
Classification: Likely pathogenic for Nicolaides-Baraitser syndrome. Last evaluated: 2016-06-24. Review status: criteria provided, single submitter. Criteria: ACMG Guidelines, 2015. Collection method: clinical testing. Allele origin: de novo. Affected: yes. Observed: 1 variant allele.
Comment: This variant was identified as de novo (maternity and paternity confirmed).